The following is an entry in ClinVar:

ClinVar aggregate classification (germline): Uncertain significance (1 of 4 stars; one submission).

Conditions:
Charcot-Marie-Tooth disease type 4. Also called: Charcot-Marie-Tooth disease, type IV; Charcot-Marie-Tooth, Type 4. Identifiers: Orphanet 64749, MedGen C4082197, MONDO:0018995.

Allele frequency attached by ClinVar (database versions not stated): gnomAD exomes below 0.00001 and 0.00001; ExAC 0.00001; gnomAD 0.00001.
gnomAD v4.1: 13 of 1,614,028 alleles (0.00081%); highest among the groups gnomAD compares: South Asian, 0.0022%; no homozygotes.

Submission:

Labcorp Genetics (formerly Invitae), Labcorp
Classification: Uncertain significance for Charcot-Marie-Tooth disease type 4. Last evaluated: 2022-07-11. Review status: criteria provided, single submitter. Criteria: Invitae Variant Classification Sherloc (09022015). Collection method: clinical testing. Allele origin: germline.
Comment: This sequence change replaces arginine, which is basic and polar, with glutamine, which is neutral and polar, at codon 234 of the NDRG1 protein (p.Arg234Gln). This variant is present in population databases (rs755968590, gnomAD 0.003%). This missense change has been observed in individual(s) with autosomal recessive Charcot-Marie-Tooth disease (PMID: 28776325). It has also been observed to segregate with disease in related individuals. ClinVar contains an entry for this variant (Variation ID: 964455). Algorithms developed to predict the effect of missense changes on protein structure and function (SIFT, PolyPhen-2, Align-GVGD) all suggest that this variant is likely to be disruptive. Experimental studies have shown that this missense change affects NDRG1 function (PMID: 28776325). Algorithms developed to predict the effect of sequence changes on RNA splicing suggest that this variant may create or strengthen a splice site. In summary, the available evidence is currently insufficient to determine the role of this variant in disease. Therefore, it has been classified as a Variant of Uncertain Significance.

Literature cited by the submitters: PubMed 28776325.

NM_006096.4(NDRG1):c.701G>A (p.Arg234Gln)

Genes: NDRG1 (N-myc downstream regulated 1; minus strand), LOC126860531 (CDK7 strongly-dependent group 2 enhancer GRCh37_chr8:134259869-134261068; plus strand). Cytogenetic location: 8q24.22.
Variant type: single nucleotide variant.
Coding change: c.701G>A on transcript NM_006096.4 (MANE Select); coding-DNA position 701, G replaced by A.
Protein change: p.Arg234Gln; replaces arginine 234 with glutamine.
Molecular consequence: missense variant.
Genome position (GRCh38, 1-based): chr8:133,248,769, C>T on the plus strand (G>A on the coding strand, the complement: NDRG1 is on the minus strand). VCF-style: chr8-133248769-C-T. GRCh37 (hg19) VCF-style: chr8-134261012-C-T.
Other names: c.701G>A, p.Arg234Gln (NM_001135242.2, NM_001374845.1, NM_001374846.1); c.503G>A, p.Arg168Gln (NM_001258432.2, NM_001374847.1); c.458G>A, p.Arg153Gln (NM_001258433.2); c.752G>A, p.Arg251Gln (NM_001374844.1); short protein forms R234Q, R251Q, R153Q, R168Q.
Identifiers: ClinVar variation 964455 (VCV000964455.7), dbSNP rs755968590, ClinGen allele CA4886628.